The following is an entry in ClinVar:

NM_003470.3(USP7):c.2434A>T (p.Thr812Ser)

Gene: USP7 (ubiquitin specific peptidase 7; minus strand). Cytogenetic location: 16p13.2.
Variant type: single nucleotide variant.
Coding change: c.2434A>T on transcript NM_003470.3 (MANE Select); coding-DNA position 2434, A replaced by T.
Protein change: p.Thr812Ser; replaces threonine 812 with serine.
Molecular consequence: missense variant. On other transcripts: non-coding transcript variant (1).
Genome position (GRCh38, 1-based): chr16:8,899,633, T>A on the plus strand (A>T on the coding strand, the complement: USP7 is on the minus strand). VCF-style: chr16-8899633-T-A. GRCh37 (hg19) VCF-style: chr16-8993490-T-A.
Other names: c.2386A>T, p.Thr796Ser (NM_001286457.2); c.2137A>T, p.Thr713Ser (NM_001286458.2); c.2260A>T, p.Thr754Ser (NM_001321858.2); short protein forms T713S, T754S, T796S, T812S.
Identifiers: ClinVar variation 1721684 (VCV001721684.5), dbSNP rs2549220847, ClinGen allele CA394698808.
Genomic context (GRCh38, chr16:8,899,633, plus strand): 5'-TCTGAAGAGGAAAGGAGCATTTATTAAATACCTGAAAATAATTCATTCTATTTGATAACG[T>A]AACCACAAATCCAGGATCATTAGGGATTGTTTTATCACAGAAAATGACATCAACGCGGTG-3'
Protein context (NP_003461.2, residues 802-822): TIPNDPGFVV[Thr812Ser]LSNRMNYFQV

ClinVar aggregate classification (germline): Uncertain significance (1 of 4 stars; one submission).

Submission:

Labcorp Genetics (formerly Invitae), Labcorp
Classification: Uncertain significance. Last evaluated: 2022-10-15. Review status: criteria provided, single submitter. Criteria: Invitae Variant Classification Sherloc (09022015). Collection method: clinical testing. Allele origin: germline.
Comment: In summary, the available evidence is currently insufficient to determine the role of this variant in disease. Therefore, it has been classified as a Variant of Uncertain Significance. Algorithms developed to predict the effect of missense changes on protein structure and function (SIFT, PolyPhen-2, Align-GVGD) all suggest that this variant is likely to be tolerated. This variant has not been reported in the literature in individuals affected with USP7-related conditions. This variant is not present in population databases (gnomAD no frequency). This sequence change replaces threonine, which is neutral and polar, with serine, which is neutral and polar, at codon 812 of the USP7 protein (p.Thr812Ser).